The following is an entry in ClinVar:

ClinVar aggregate classification (germline): Uncertain significance (1 of 4 stars; one submission).

Submission:

Labcorp Genetics (formerly Invitae), Labcorp
Classification: Uncertain significance. Last evaluated: 2024-12-02. Review status: criteria provided, single submitter. Criteria: Invitae Variant Classification Sherloc (09022015). Collection method: clinical testing. Allele origin: germline.
Comment: This sequence change replaces serine, which is neutral and polar, with arginine, which is basic and polar, at codon 499 of the RUNX2 protein (p.Ser499Arg). This variant is not present in population databases (gnomAD no frequency). This variant has not been reported in the literature in individuals affected with RUNX2-related conditions. Invitae Evidence Modeling of protein sequence and biophysical properties (such as structural, functional, and spatial information, amino acid conservation, physicochemical variation, residue mobility, and thermodynamic stability) indicates that this missense variant is not expected to disrupt RUNX2 protein function with a negative predictive value of 80%. In summary, the available evidence is currently insufficient to determine the role of this variant in disease. Therefore, it has been classified as a Variant of Uncertain Significance.

NM_001024630.4(RUNX2):c.1497C>G (p.Ser499Arg)

Gene: RUNX2 (RUNX family transcription factor 2; plus strand). Cytogenetic location: 6p21.1.
Variant type: single nucleotide variant.
Coding change: c.1497C>G on transcript NM_001024630.4 (MANE Select); coding-DNA position 1497, C replaced by G.
Protein change: p.Ser499Arg; replaces serine 499 with arginine.
Molecular consequence: missense variant.
Genome position (GRCh38, 1-based): chr6:45,547,236, C>G. VCF-style: chr6-45547236-C-G. GRCh37 (hg19) VCF-style: chr6-45514973-C-G.
Other names: c.1431C>G, p.Ser477Arg (NM_001015051.4); c.1389C>G, p.Ser463Arg (NM_001278478.2); c.1455C>G, p.Ser485Arg (NM_001369405.1); short protein forms S485R, S477R, S499R, S463R.
Identifiers: ClinVar variation 3641719 (VCV003641719.2).